The following is an entry in ClinVar:

ClinVar aggregate classification (germline): Uncertain significance. Review status: criteria provided, multiple submitters, no conflicts (2 of 4 stars). 3 submissions from 3 submitters: Uncertain significance (3). Last evaluated 2026-05-07.

Conditions:
OTOG-related disorder. Also called: OTOG-related condition.

Allele frequency attached by ClinVar (database versions not stated): gnomAD exomes 0.00008; ExAC 0.00024; TOPMed 0.00035; gnomAD 0.00042 and 0.00043; 1000 Genomes Project 30x 0.00078; 1000 Genomes Project 0.00080.
gnomAD v4.1: 104 of 1,550,516 alleles (0.0067%); highest among the groups gnomAD compares: African/African-American, 0.14%; no homozygotes.

Submissions (3):

PreventionGenetics, part of Exact Sciences
Classification: Uncertain significance for OTOG-related condition. Last evaluated: 2026-05-07. Review status: criteria provided, single submitter. Criteria: ACMG Guidelines, 2015. Collection method: clinical testing. Allele origin: germline.
Comment: The OTOG c.4936C>A variant is predicted to result in the amino acid substitution p.Pro1646Thr. To our knowledge, this variant has not been reported in the literature. This variant is reported in 0.13% of alleles in individuals of African descent in gnomAD. Although we suspect that this variant may be benign, at this time, the clinical significance of this variant is uncertain due to the absence of conclusive functional and genetic evidence.

GeneDx
Classification: Uncertain significance. Last evaluated: 2026-01-27. Review status: criteria provided, single submitter. Criteria: GeneDx Variant Classification Process June 2021. Collection method: clinical testing. Allele origin: germline. Affected: yes.
Comment: Identified in a patient with mild unilateral hearing loss in published literature (PMID: 34515852) and reported to be non-contributory to the patient's phenotype; In silico analysis suggests that this missense variant does not alter protein structure/function; This variant is associated with the following publications: (PMID: 34515852)

Labcorp Genetics (formerly Invitae), Labcorp
Classification: Uncertain significance. Last evaluated: 2023-12-06. Review status: criteria provided, single submitter. Criteria: Invitae Variant Classification Sherloc (09022015). Collection method: clinical testing. Allele origin: germline.
Comment: This sequence change replaces proline, which is neutral and non-polar, with threonine, which is neutral and polar, at codon 1646 of the OTOG protein (p.Pro1646Thr). This variant is present in population databases (rs569097813, gnomAD 0.1%). This variant has not been reported in the literature in individuals affected with OTOG-related conditions. ClinVar contains an entry for this variant (Variation ID: 1254879). An algorithm developed to predict the effect of missense changes on protein structure and function (PolyPhen-2) suggests that this variant¬†is likely to be tolerated. In summary, the available evidence is currently insufficient to determine the role of this variant in disease. Therefore, it has been classified as a Variant of Uncertain Significance.

NM_001292063.2(OTOG):c.4900C>A (p.Pro1634Thr)

Gene: OTOG (otogelin; plus strand). Cytogenetic location: 11p15.1.
Variant type: single nucleotide variant.
Coding change: c.4900C>A on transcript NM_001292063.2 (MANE Select); coding-DNA position 4900, C replaced by A.
Protein change: p.Pro1634Thr; replaces proline 1634 with threonine.
Molecular consequence: missense variant.
Genome position (GRCh38, 1-based): chr11:17,610,200, C>A. VCF-style: chr11-17610200-C-A. GRCh37 (hg19) VCF-style: chr11-17631747-C-A.
Other names: c.4936C>A, p.Pro1646Thr (NM_001277269.2); short protein forms P1634T, P1646T.
Identifiers: ClinVar variation 1254879 (VCV001254879.9), dbSNP rs569097813, ClinGen allele CA5905876.